The following is an entry in ClinVar:

ClinVar aggregate classification (germline): Pathogenic/Likely pathogenic. Review status: criteria provided, multiple submitters, no conflicts (2 of 4 stars). 6 submissions from 6 submitters: Pathogenic (3); Likely pathogenic (3). Last evaluated 2026-08-17.

Conditions:
EYS-related disorder. Also called: EYS-related condition.
Retinitis pigmentosa 25 (RP25). Identifiers: Orphanet 791, MedGen C1864446, MONDO:0011272, OMIM 602772.

Submissions (6):

PreventionGenetics, part of Exact Sciences
Classification: Likely pathogenic for EYS-related condition. Last evaluated: 2026-08-17. Review status: criteria provided, single submitter. Criteria: ACMG Guidelines, 2015. Collection method: clinical testing. Allele origin: germline.
Comment: The EYS c.4610_4611delGA variant is predicted to result in a frameshift and premature protein termination (p.Arg1537Thrfs*10). To our knowledge, this variant has not been previously reported in literature in association with disease. This variant is reported in 0.0041% of alleles in individuals of Latino descent in gnomAD. Frameshift variants in EYS are expected to be pathogenic. This variant is interpreted as likely pathogenic.

Labcorp Genetics (formerly Invitae), Labcorp
Classification: Pathogenic. Last evaluated: 2025-08-07. Review status: criteria provided, single submitter. Criteria: Invitae Variant Classification Sherloc (09022015). Collection method: clinical testing. Allele origin: germline.
Comment: This sequence change creates a premature translational stop signal (p.Arg1537Thrfs*10) in the EYS gene. It is expected to result in an absent or disrupted protein product. Loss-of-function variants in EYS are known to be pathogenic (PMID: 18836446, 20333770). This variant is present in population databases (no rsID available, gnomAD 0.004%). This variant has not been reported in the literature in individuals affected with EYS-related conditions. ClinVar contains an entry for this variant (Variation ID: 283384). For these reasons, this variant has been classified as Pathogenic.

Natera, Inc.
Classification: Likely pathogenic for Retinitis pigmentosa type 25. Last evaluated: 2024-12-07. Review status: criteria provided, single submitter. Criteria: Natera Variant Classification Schema (03/2026). Collection method: clinical testing. Allele origin: germline.
Comment: The c.4610_4611delGA variant in EYS is a frameshift variant predicted to shift the reading frame beginning at codon 1537 and leads to a stop codon 10 codons downstream. This variant is expected to result in nonsense mediated decay, truncation, or a dysfunctional protein product. This variant is rare in the general population with a frequency below the threshold expected for the associated phenotype(s). Given the available evidence, this variant is classified as Likely Pathogenic.

Baylor Genetics
Classification: Likely pathogenic for Retinitis pigmentosa 25. Last evaluated: 2024-01-05. Review status: criteria provided, single submitter. Criteria: ACMG Guidelines, 2015. Collection method: clinical testing. Allele origin: unknown.

GeneDx
Classification: Pathogenic. Last evaluated: 2023-03-25. Review status: criteria provided, single submitter. Criteria: GeneDx Variant Classification Process June 2021. Collection method: clinical testing. Allele origin: germline. Affected: yes.
Comment: Frameshift variant predicted to result in protein truncation or nonsense mediated decay in a gene for which loss of function is a known mechanism of disease; Not observed at significant frequency in large population cohorts (gnomAD); Has not been previously published as pathogenic or benign in association with EYS-related retinitis pigmentosa to our knowledge; This variant is associated with the following publications: (PMID: 31964843)

Eurofins Ntd Llc (ga)
Classification: Pathogenic. Last evaluated: 2015-10-01. Review status: criteria provided, single submitter. Criteria: EGL Classification Definitions 2015. Collection method: clinical testing. Allele origin: germline. Observed: 2 variant alleles, 2 heterozygotes.

Literature cited by the submitters: PubMed 18836446 (cited by Labcorp Genetics (formerly Invitae), Labcorp); PubMed 20333770 (cited by Labcorp Genetics (formerly Invitae), Labcorp).

NM_001142800.2(EYS):c.4610_4611del (p.Arg1537fs)

Gene: EYS (EGF-like photoreceptor maintenance factor; minus strand). Cytogenetic location: 6q12.
Variant type: Microsatellite.
Coding change: c.4610_4611del on transcript NM_001142800.2 (MANE Select); coding-DNA positions 4610 to 4611, 2 bases deleted (GA; older notation c.4610_4611delGA).
Protein change: p.Arg1537fs; shifts the reading frame from arginine 1537.
Molecular consequence: frameshift variant.
Genome position (GRCh38, 1-based): chr6:64,591,256-64,591,257, TC deleted on the plus strand (GA on the coding strand, the reverse complement: EYS is on the minus strand); deleting any 2 consecutive bases within chr6:64,591,256-64,591,260 gives the same sequence; the c. name uses the placement nearest the transcript's 3' end. VCF-style (leftmost placement, unchanged base first): chr6-64591255-GTC-G. GRCh37 (hg19) VCF-style: chr6-65301148-GTC-G.
Other names: c.4610_4611del, p.Arg1537fs (NM_001292009.2); c.4610_4611delGA (NM_001142800.1); short protein forms R1537fs.
Identifiers: ClinVar variation 283384 (VCV000283384.17), dbSNP rs886042613, ClinGen allele CA10604475.